The following is an entry in ClinVar:

NM_000203.5(IDUA):c.1524+1G>A

Gene: IDUA (alpha-L-iduronidase; plus strand). Cytogenetic location: 4p16.3.
Variant type: single nucleotide variant.
Coding change: c.1524+1G>A on transcript NM_000203.5 (MANE Select); the canonical splice donor site of the intron after coding-DNA position 1524, G replaced by A.
Molecular consequence: splice donor variant.
Genome position (GRCh38, 1-based): chr4:1,003,158, G>A. VCF-style: chr4-1003158-G-A. GRCh37 (hg19) VCF-style: chr4-996946-G-A.
Other names: c.1128+1G>A (NM_001363576.1).
Identifiers: ClinVar variation 940552 (VCV000940552.9), dbSNP rs1553917483, ClinGen allele CA355964826.
Genomic context (GRCh38, chr4:1,003,158, plus strand): 5'-CGCCTGGGCCGGCCCGTCTTCCCCACGGCAGAGCAGTTCCGGCGCATGCGCGCGGCTGAG[G>A]TAGGTGGGCCGCGGAGGGGCGAGGGGCCGGGCCGGGCCGGGGTCCCGGGGGGGTGGGGTC-3'

ClinVar aggregate classification (germline): Pathogenic/Likely pathogenic. Review status: criteria provided, multiple submitters, no conflicts (2 of 4 stars). 2 submissions from 2 submitters: Pathogenic (1); Likely pathogenic (1). Last evaluated 2024-05-31.

Conditions:
Mucopolysaccharidosis type 1. Also called: Mucopolysaccharidosis Type I; IDUA deficiency; MPS I. Identifiers: Orphanet 579, MedGen C0023786, MONDO:0001586.

Allele frequency attached by ClinVar (database versions not stated): gnomAD 0.00001; gnomAD exomes 0.00001; TOPMed 0.00001.
gnomAD v4.1: 3 of 1,393,000 alleles (0.00022%); highest among the groups gnomAD compares: African/African-American, 0.0015%; no homozygotes.

Submissions (2):

Natera, Inc.
Classification: Pathogenic for Mucopolysaccharidosis type I. Last evaluated: 2024-05-31. Review status: criteria provided, single submitter. Criteria: Natera Variant Classification Schema (03/2026). Collection method: clinical testing. Allele origin: germline.
Comment: The c.1524+1G>A variant in IDUA is a canonical splice donor site variant predicted to affect pre-mRNA splicing, which may result in an abnormal transcript and altered protein product. This variant is expected to result in nonsense mediated decay, truncation, or a dysfunctional protein product. This variant is rare in the general population with a frequency below the threshold expected for the associated phenotype(s). This variant has been observed in one or more individuals affected with the associated recessive disease, as either homozygous or compound heterozygous with a second variant (PMID: 31194252). Given the available evidence, this variant is classified as Pathogenic.

Labcorp Genetics (formerly Invitae), Labcorp
Classification: Likely pathogenic for Mucopolysaccharidosis type 1. Last evaluated: 2019-08-23. Review status: criteria provided, single submitter. Criteria: Invitae Variant Classification Sherloc (09022015). Collection method: clinical testing. Allele origin: germline.
Comment: This sequence change affects a donor splice site in intron 10 of the IDUA gene. It is expected to disrupt RNA splicing and likely results in an absent or disrupted protein product. The frequency data for this variant in the population databases is considered unreliable, as metrics indicate insufficient coverage at this position in the ExAC database. In summary, the currently available evidence indicates that the variant is pathogenic, but additional data are needed to prove that conclusively. Therefore, this variant has been classified as Likely Pathogenic. Donor and acceptor splice site variants typically lead to a loss of protein function (PMID: 16199547), and loss-of-function variants in IDUA are known to be pathogenic (PMID: 11735025, 21480867). Algorithms developed to predict the effect of sequence changes on RNA splicing suggest that this variant may disrupt the consensus splice site, but this prediction has not been confirmed by published transcriptional studies. This variant has not been reported in the literature in individuals with IDUA-related conditions.

Literature cited by the submitters: PubMed 31194252 (cited by Natera, Inc.); PubMed 16199547 (cited by Labcorp Genetics (formerly Invitae), Labcorp); PubMed 11735025 (cited by Labcorp Genetics (formerly Invitae), Labcorp); PubMed 21480867 (cited by Labcorp Genetics (formerly Invitae), Labcorp).